The following is an entry in ClinVar:

ClinVar aggregate classification (germline): Uncertain significance. Review status: criteria provided, multiple submitters, no conflicts (2 of 4 stars). 3 submissions from 3 submitters: Uncertain significance (3). Last evaluated 2022-05-25.

Conditions:
Desbuquois dysplasia 1 (DBQD1). Also called: MICROMELIC DWARFISM WITH VERTEBRAL AND METAPHYSEAL ABNORMALITIES AND ADVANCED CARPOTARSAL OSSIFICATION; DESBUQUOIS DYSPLASIA 1, KIM VARIANT. Identifiers: Orphanet 1425, MedGen C4012146, MONDO:0009629, OMIM 251450.
Inborn genetic diseases. Identifiers: MedGen C0950123, MeSH D030342.

Allele frequency attached by ClinVar (database versions not stated): TOPMed 0.00003; ExAC 0.00005; gnomAD 0.00005; ESP Exome Variant Server 0.00015.
gnomAD v4.1: 53 of 1,574,946 alleles (0.0034%); highest among the groups gnomAD compares: African/African-American, 0.0067%; no homozygotes.

Submissions (3):

Ambry Genetics
Classification: Uncertain significance for Inborn genetic diseases. Last evaluated: 2022-05-25. Review status: criteria provided, single submitter. Criteria: Ambry Variant Classification Scheme 2023. Collection method: clinical testing. Allele origin: germline.

ARUP Laboratories, Molecular Genetics and Genomics, ARUP Laboratories
Classification: Uncertain significance. Last evaluated: 2020-11-20. Review status: criteria provided, single submitter. Criteria: ARUP Molecular Germline Variant Investigation Process 2021. Collection method: clinical testing. Allele origin: germline.
Comment: The CANT1 c.119G>A; p.Arg40His variant (rs375819727), to our knowledge, is not reported in the medical literature but is reported in ClinVar (Variation ID: 890249). This variant is found on only seven chromosomes (7/239406 alleles) in the Genome Aggregation Database. The arginine at codon 40 is moderately conserved, and computational analyses are uncertain whether this variant is neutral or deleterious (REVEL: 0.560). Due to limited information, the clinical significance of the p.Arg40His variant is uncertain at this time.

Illumina Laboratory Services, Illumina
Classification: Uncertain significance for Desbuquois dysplasia 1. Last evaluated: 2018-01-13. Review status: criteria provided, single submitter. Criteria: ICSL Variant Classification Criteria 13 December 2019. Collection method: clinical testing. Allele origin: germline.

NM_001159773.2(CANT1):c.119G>A (p.Arg40His)

Gene: CANT1 (calcium activated nucleotidase 1; minus strand). Cytogenetic location: 17q25.3.
Variant type: single nucleotide variant.
Coding change: c.119G>A on transcript NM_001159773.2 (MANE Select); coding-DNA position 119, G replaced by A.
Protein change: p.Arg40His; replaces arginine 40 with histidine.
Molecular consequence: missense variant.
Genome position (GRCh38, 1-based): chr17:78,997,504, C>T on the plus strand (G>A on the coding strand, the complement: CANT1 is on the minus strand). VCF-style: chr17-78997504-C-T. GRCh37 (hg19) VCF-style: chr17-76993586-C-T.
Other names: c.119G>A, p.Arg40His (NM_001159772.2, NM_138793.4); short protein forms R40H.
Identifiers: ClinVar variation 890249 (VCV000890249.12), dbSNP rs375819727, ClinGen allele CA8808814.